The following is an entry in ClinVar:

NM_005228.5(EGFR):c.2440C>A (p.Leu814Met)

Genes: EGFR-AS1 (EGFR antisense RNA 1; minus strand), EGFR (epidermal growth factor receptor; plus strand). Cytogenetic location: 7p11.2.
Variant type: single nucleotide variant.
Coding change: c.2440C>A on transcript NM_005228.5 (MANE Select); coding-DNA position 2440, C replaced by A.
Protein change: p.Leu814Met; replaces leucine 814 with methionine.
Molecular consequence: missense variant. On other transcripts: non-coding transcript variant (1).
Genome position (GRCh38, 1-based): chr7:55,181,449, C>A. VCF-style: chr7-55181449-C-A. GRCh37 (hg19) VCF-style: chr7-55249142-C-A.
Other names: c.2305C>A, p.Leu769Met (NM_001346897.2, NM_001346899.2); c.2440C>A, p.Leu814Met (NM_001346898.2); c.2281C>A, p.Leu761Met (NM_001346900.2); c.1639C>A, p.Leu547Met (NM_001346941.2); short protein forms L761M, L769M, L814M, L547M.
Identifiers: ClinVar variation 4694159 (VCV004694159.1).
Genomic context (GRCh38, chr7:55,181,449, plus strand): 5'-CCCTTCGGCTGCCTCCTGGACTATGTCCGGGAACACAAAGACAATATTGGCTCCCAGTAC[C>A]TGCTCAACTGGTGTGTGCAGATCGCAAAGGTAATCAGGGAAGGGAGATACGGGGAGGGGA-3'
Protein context (NP_005219.2, residues 804-824): EHKDNIGSQY[Leu814Met]LNWCVQIAKG

ClinVar aggregate classification (germline): Uncertain significance (1 of 4 stars; one submission).

Conditions:
EGFR-related lung cancer (EGFR). Identifiers: MedGen CN130014.

Submission:

Labcorp Genetics (formerly Invitae), Labcorp
Classification: Uncertain significance for EGFR-related lung cancer. Last evaluated: 2025-04-11. Review status: criteria provided, single submitter. Criteria: Invitae Variant Classification Sherloc (09022015). Collection method: clinical testing. Allele origin: germline.
Comment: This sequence change replaces leucine, which is neutral and non-polar, with methionine, which is neutral and non-polar, at codon 814 of the EGFR protein (p.Leu814Met). This variant is not present in population databases (gnomAD no frequency). This variant has not been reported in the literature in individuals affected with EGFR-related conditions. Invitae Evidence Modeling of protein sequence and biophysical properties (such as structural, functional, and spatial information, amino acid conservation, physicochemical variation, residue mobility, and thermodynamic stability) indicates that this missense variant is not expected to disrupt EGFR protein function with a negative predictive value of 80%. In summary, the available evidence is currently insufficient to determine the role of this variant in disease. Therefore, it has been classified as a Variant of Uncertain Significance.